The following is an entry in ClinVar:

NM_002354.3(EPCAM):c.111C>G (p.Asn37Lys)

Gene: EPCAM (epithelial cell adhesion molecule; plus strand). Cytogenetic location: 2p21.
Variant type: single nucleotide variant.
Coding change: c.111C>G on transcript NM_002354.3 (MANE Select); coding-DNA position 111, C replaced by G.
Protein change: p.Asn37Lys; replaces asparagine 37 with lysine.
Molecular consequence: missense variant.
Genome position (GRCh38, 1-based): chr2:47,373,497, C>G. VCF-style: chr2-47373497-C-G. GRCh37 (hg19) VCF-style: chr2-47600636-C-G.
Other names: short protein forms N37K.
Identifiers: ClinVar variation 239119 (VCV000239119.10), dbSNP rs543584983, ClinGen allele CA1648878.
Genomic context (GRCh38, chr2:47,373,497, plus strand): 5'-AGTAGATTTTTTTTTTAATTTTCTAGAATGTGTCTGTGAAAACTACAAGCTGGCCGTAAA[C>G]TGCTTTGTGAATAATAATCGTCAATGCCAGTGTACTTCAGTTGGTGCACAAAATACTGTC-3'
Protein context (NP_002345.2, residues 27-47): CVCENYKLAV[Asn37Lys]CFVNNNRQCQ

ClinVar aggregate classification (germline): Uncertain significance. Review status: criteria provided, single submitter (1 of 4 stars). 3 submissions from 3 submitters: Uncertain significance (1). 2 of the submissions do not count toward it. Last evaluated 2016-01-22.

Conditions:
Lynch syndrome 8 (LYNCH8). Also called: Colorectal cancer, hereditary nonpolyposis, type 8. Identifiers: Orphanet 144, MedGen C2750471, MONDO:0013196, OMIM 613244.
EPCAM-related disorder. Also called: EPCAM-related condition.

Allele frequency attached by ClinVar (database versions not stated): ExAC 0.00001; gnomAD 0.00008 and 0.00009; gnomAD exomes 0.00001 and 0.00003; TOPMed 0.00011.
gnomAD v4.1: 55 of 1,613,284 alleles (0.0034%); highest among the groups gnomAD compares: Admixed American, 0.01%; no homozygotes.

Submissions (3):

Labcorp Genetics (formerly Invitae), Labcorp
Classification: Uncertain significance. Last evaluated: 2016-01-22. Review status: criteria provided, single submitter. Criteria: Invitae Variant Classification Sherloc (09022015). Collection method: clinical testing. Allele origin: germline.
Comment: In summary, this is a rare missense change that is not predicted to affect protein function or cause disease. However the evidence is insufficient at this time to prove that conclusively. Therefore, it has been classified as a Variant of Uncertain Significance. Algorithms developed to predict the effect of missense changes on protein structure and function (SIFT, PolyPhen-2, Align-GVGD) all suggest that this variant is likely to be tolerated, but these predictions have not been confirmed by published functional studies. This variant is present in population databases (rs543584983, ExAC 0.002%) but has not been reported in the literature in individuals with a EPCAM-related disease. This sequence change replaces asparagine with lysine at codon 37 of the EPCAM protein (p.Asn37Lys). The asparagine residue is moderately conserved and there is a moderate physicochemical difference between asparagine and lysine.

PreventionGenetics, part of Exact Sciences
Classification: Uncertain significance for EPCAM-related condition. Last evaluated: 2024-05-09. Review status: no assertion criteria provided. Collection method: clinical testing. Allele origin: germline. Not counted in ClinVar's aggregate classification.
Comment: The EPCAM c.111C>G variant is predicted to result in the amino acid substitution p.Asn37Lys. This variant has been reported in an individual with breast cancer in a cohort study of over 2,800 patients undergoing multi-gene targeted hereditary cancer panel testing (Table S4. Bhai et al 2021. PubMed ID: 34326862). This variant is reported in 0.0057% of alleles in individuals of Latino descent in gnomAD. This variant is interpreted as a variant of uncertain significance in ClinVar. At this time, the clinical significance of this variant is uncertain due to the absence of conclusive functional and genetic evidence.

Knight Diagnostic Laboratories, Oregon Health and Sciences University
Classification: Uncertain significance for Lynch syndrome 8. Last evaluated: 2016-04-19. Review status: no assertion criteria provided. Criteria: ACMG Guidelines, 2015. Collection method: clinical testing. Allele origin: germline. Affected: no. Study: CSER-NextGen. Not counted in ClinVar's aggregate classification.